The following is an entry in ClinVar:

NC_000023.10:g.(32305819_32328198)_(32364198_32366522)del

Gene: DMD (dystrophin; minus strand). Cytogenetic location: Xp21.1.
Variant type: Deletion.
Identifiers: ClinVar variation 1343583 (VCV001343583.1).

ClinVar aggregate classification (germline): Likely pathogenic (1 of 4 stars; one submission).

Conditions:
Neuromuscular disease caused by qualitative or quantitative defects of dystrophin. Also called: Qualitative or quantitative defects of dystrophin. Identifiers: Orphanet 207085, MedGen C5679787, MONDO:0016147.

Submission:

Women's Health and Genetics/Laboratory Corporation of America, LabCorp
Classification: Likely pathogenic for Neuromuscular disease caused by qualitative or quantitative defects of dystrophin. Last evaluated: 2022-02-02. Review status: criteria provided, single submitter. Criteria: LabCorp Variant Classification Summary - May 2015. Collection method: clinical testing. Allele origin: germline.
Comment: Variant summary: The variant identified by MLPA or other technology involves the deletion of exons 39-42 in the DMD gene. A presumed nomenclature of c.(5448+1_5449-1)_(6117+1_6118-1)del has been designated for the purposes of this classification. Although exact breakpoints of this deletion are not known, it is expected to result in a large in-frame deletion change in the DMD gene (DOVE database, p. Asn1816_Asn2039del), a known mechanism of disease. The variant was absent in 16120 control chromosomes (gnomAD SVs). To our knowledge, no occurrence of c.(5448+1_5449-1)_(6117+1_6118-1)del in individuals affected with Dystrophinopathies and no experimental evidence demonstrating its impact on protein function have been reported. No clinical diagnostic laboratories have submitted clinical-significance assessments for this variant to ClinVar after 2014. Based on the evidence outlined above, the variant was classified as likely pathogenic.